The following is an entry in ClinVar:

NM_004168.4(SDHA):c.1813G>A (p.Asp605Asn)

Gene: SDHA (succinate dehydrogenase complex flavoprotein subunit A; plus strand). Cytogenetic location: 5p15.33.
Variant type: single nucleotide variant.
Coding change: c.1813G>A on transcript NM_004168.4 (MANE Select); coding-DNA position 1813, G replaced by A.
Protein change: p.Asp605Asn; replaces aspartic acid 605 with asparagine.
Molecular consequence: missense variant.
Genome position (GRCh38, 1-based): chr5:254,411, G>A. VCF-style: chr5-254411-G-A. GRCh37 (hg19) VCF-style: chr5-254526-G-A.
Other names: c.1669G>A, p.Asp557Asn (NM_001294332.2); c.1570G>A, p.Asp524Asn (NM_001330758.2); short protein forms D605N, D557N, D524N.
Identifiers: ClinVar variation 539636 (VCV000539636.18), dbSNP rs771593214, ClinGen allele CA3173432.

ClinVar aggregate classification (germline): Uncertain significance. Review status: criteria provided, multiple submitters, no conflicts (2 of 4 stars). 5 submissions from 5 submitters: Uncertain significance (4). 1 of the submissions does not count toward it. Last evaluated 2024-07-15.

Conditions:
SDHA-related disorder. Also called: SDHA-related condition; SDHA-related disorders.
Hereditary cancer-predisposing syndrome. Also called: Neoplastic Syndromes, Hereditary; Tumor predisposition; Hereditary neoplastic syndrome; Hereditary Cancer Syndrome. Identifiers: Orphanet 140162, MedGen C0027672, MeSH D009386, MONDO:0015356.
Dilated cardiomyopathy 1GG (CMD1GG). Identifiers: Orphanet 154, MedGen C3150898, MONDO:0013339, OMIM 613642.
Mitochondrial complex II deficiency, nuclear type 1. Also called: SUCCINATE CoQ REDUCTASE DEFICIENCY. Identifiers: Orphanet 3208, MedGen C5700310, MONDO:0100294, OMIM 252011.
Pheochromocytoma/paraganglioma syndrome 5. Also called: Paragangliomas 5; SDHA-Related Hereditary Paraganglioma-Pheochromocytoma Syndrome. Identifiers: Orphanet 29072, MedGen C3279992, MONDO:0013602, OMIM 614165.

Allele frequency attached by ClinVar (database versions not stated): gnomAD exomes 0.00001; ExAC 0.00002; TOPMed 0.00002.
gnomAD v4.1: 10 of 1,603,382 alleles (0.00062%); highest among the groups gnomAD compares: East Asian, 0.009%; no homozygotes.

Submissions (5):

GeneDx
Classification: Uncertain significance. Last evaluated: 2024-07-15. Review status: criteria provided, single submitter. Criteria: GeneDx Variant Classification Process June 2021. Collection method: clinical testing. Allele origin: germline. Affected: yes.
Comment: Not observed at significant frequency in large population cohorts (gnomAD); In silico analysis supports that this missense variant has a deleterious effect on protein structure/function; Has not been previously published as pathogenic or benign to our knowledge

Ambry Genetics
Classification: Uncertain significance for Hereditary cancer-predisposing syndrome. Last evaluated: 2024-07-14. Review status: criteria provided, single submitter. Criteria: Ambry Variant Classification Scheme 2023. Collection method: clinical testing. Allele origin: germline.

Baylor Genetics
Classification: Uncertain significance for Dilated cardiomyopathy 1GG. Last evaluated: 2024-03-09. Review status: criteria provided, single submitter. Criteria: ACMG Guidelines, 2015. Collection method: clinical testing. Allele origin: unknown.

Labcorp Genetics (formerly Invitae), Labcorp
Classification: Uncertain significance for Pheochromocytoma/paraganglioma syndrome 5; Mitochondrial complex II deficiency, nuclear type 1. Last evaluated: 2021-02-04. Review status: criteria provided, single submitter. Criteria: Invitae Variant Classification Sherloc (09022015). Collection method: clinical testing. Allele origin: germline.
Comment: This sequence change replaces aspartic acid with asparagine at codon 605 of the SDHA protein (p.Asp605Asn). The aspartic acid residue is highly conserved and there is a small physicochemical difference between aspartic acid and asparagine. The frequency data for this variant in the population databases is considered unreliable, as metrics indicate poor data quality at this position in the ExAC database. In summary, the available evidence is currently insufficient to determine the role of this variant in disease. Therefore, it has been classified as a Variant of Uncertain Significance. Algorithms developed to predict the effect of missense changes on protein structure and function do not agree on the potential impact of this missense change (SIFT: "Deleterious"; PolyPhen-2: "Benign"; Align-GVGD: "Class C0"). This variant has not been reported in the literature in individuals with SDHA-related disease.

PreventionGenetics, part of Exact Sciences
Classification: Uncertain significance for SDHA-related condition. Last evaluated: 2024-08-02. Review status: no assertion criteria provided. Collection method: clinical testing. Allele origin: germline. Not counted in ClinVar's aggregate classification.
Comment: The SDHA c.1813G>A variant is predicted to result in the amino acid substitution p.Asp605Asn. To our knowledge, this variant has not been reported in the literature. This variant is reported in 0.0069% of alleles in individuals of African descent in gnomAD. This variant is interpreted as uncertain significance by multiple submitters in ClinVar. At this time, the clinical significance of this variant is uncertain due to the absence of conclusive functional and genetic evidence.